The following is an entry in ClinVar:

ClinVar aggregate classification (germline): Uncertain significance (1 of 4 stars; one submission).

gnomAD v4.1: 1 of 1,614,066 alleles (0.000062%); highest among the groups gnomAD compares: Non-Finnish European, 0.000085%; no homozygotes.

Submission:

GeneDx
Classification: Uncertain significance. Last evaluated: 2024-01-19. Review status: criteria provided, single submitter. Criteria: GeneDx Variant Classification Process June 2021. Collection method: clinical testing. Allele origin: germline. Affected: yes.
Comment: Not observed at significant frequency in large population cohorts (gnomAD); In silico analysis supports that this missense variant does not alter protein structure/function; Has not been previously published as pathogenic or benign to our knowledge

NM_001197104.2(KMT2A):c.1831A>G (p.Ile611Val)

Gene: KMT2A (lysine methyltransferase 2A; plus strand). Cytogenetic location: 11q23.3.
Variant type: single nucleotide variant.
Coding change: c.1831A>G on transcript NM_001197104.2 (MANE Select); coding-DNA position 1831, A replaced by G.
Protein change: p.Ile611Val; replaces isoleucine 611 with valine.
Molecular consequence: missense variant.
Genome position (GRCh38, 1-based): chr11:118,472,990, A>G. VCF-style: chr11-118472990-A-G. GRCh37 (hg19) VCF-style: chr11-118343705-A-G.
Other names: c.1930A>G, p.Ile644Val (NM_001412597.1); c.1831A>G, p.Ile611Val (NM_005933.4); short protein forms I611V, I644V.
Identifiers: ClinVar variation 3368115 (VCV003368115.1).